The following is an entry in ClinVar:

NM_000081.4(LYST):c.1612G>A (p.Asp538Asn)

Gene: LYST (lysosomal trafficking regulator; minus strand). Cytogenetic location: 1q42.3.
Variant type: single nucleotide variant.
Coding change: c.1612G>A on transcript NM_000081.4 (MANE Select); coding-DNA position 1612, G replaced by A.
Protein change: p.Asp538Asn; replaces aspartic acid 538 with asparagine.
Molecular consequence: missense variant.
Genome position (GRCh38, 1-based): chr1:235,809,206, C>T on the plus strand (G>A on the coding strand, the complement: LYST is on the minus strand). VCF-style: chr1-235809206-C-T. GRCh37 (hg19) VCF-style: chr1-235972506-C-T.
Other names: c.1612G>A, p.Asp538Asn (NM_001301365.1); short protein forms D538N.
Identifiers: ClinVar variation 3363335 (VCV003363335.2).

ClinVar aggregate classification (germline): Uncertain significance (1 of 4 stars; one submission).

Submission:

GeneDx
Classification: Uncertain significance. Last evaluated: 2026-02-13. Review status: criteria provided, single submitter. Criteria: GeneDx Variant Classification Process June 2021. Collection method: clinical testing. Allele origin: germline.
Comment: Not observed at significant frequency in large population cohorts (gnomAD); In silico analysis suggests that this missense variant does not alter protein structure/function; Has not been previously published as pathogenic or benign to our knowledge